The following is an entry in ClinVar:

NM_004329.3(BMPR1A):c.10C>G (p.Leu4Val)

Gene: BMPR1A (bone morphogenetic protein receptor type 1A; plus strand). Cytogenetic location: 10q23.2.
Variant type: single nucleotide variant.
Coding change: c.10C>G on transcript NM_004329.3 (MANE Select); coding-DNA position 10, C replaced by G.
Protein change: p.Leu4Val; replaces leucine 4 with valine.
Molecular consequence: missense variant. On other transcripts: 5 prime UTR variant (1), non-coding transcript variant (3), intron variant (4).
Genome position (GRCh38, 1-based): chr10:86,876,028, C>G. VCF-style: chr10-86876028-C-G. GRCh37 (hg19) VCF-style: chr10-88635785-C-G.
Other names: c.10C>G, p.Leu4Val (NM_001406559.1, NM_001406560.1, NM_001406561.1 and 23 more transcripts); c.-70C>G (NM_001406588.1); c.-17-14034C>G (NM_001406584.1, NM_001406587.1, NM_001406585.1); c.-12-14039C>G (NM_001406586.1); short protein forms L4V.
Identifiers: ClinVar variation 3824707 (VCV003824707.1).
Genomic context (GRCh38, chr10:86,876,028, plus strand): 5'-CAAGACCAATTATTAAAGGTGACAGTACACAGGAAACATTACAATTGAACAATGCCTCAG[C>G]TATACATTTACATCAGATTATTGGGAGCCTATTTGTTCATCATTTCTCGTGTTCAAGGTA-3'
Protein context (NP_004320.2, residues 1-14): MPQ[Leu4Val]YIYIRLLGAY

ClinVar aggregate classification (germline): Uncertain significance (1 of 4 stars; one submission).

Conditions:
Hereditary cancer-predisposing syndrome. Also called: Hereditary neoplastic syndrome; Neoplastic Syndromes, Hereditary; Tumor predisposition; Hereditary Cancer Syndrome. Identifiers: Orphanet 140162, MedGen C0027672, MeSH D009386, MONDO:0015356.

Submission:

Ambry Genetics
Classification: Uncertain significance for Hereditary cancer-predisposing syndrome. Last evaluated: 2024-12-17. Review status: criteria provided, single submitter. Criteria: Ambry Variant Classification Scheme 2023. Collection method: clinical testing. Allele origin: germline.
Comment: The p.L4V variant (also known as c.10C>G), located in coding exon 1 of the BMPR1A gene, results from a C to G substitution at nucleotide position 10. The leucine at codon 4 is replaced by valine, an amino acid with highly similar properties. This amino acid position is well conserved in available vertebrate species. In addition, this alteration is predicted to be tolerated by in silico analysis. Based on the available evidence, the clinical significance of this variant remains unclear.